The following is an entry in ClinVar:

NM_006941.4(SOX10):c.1195del (p.Gln399fs)

Genes: POLR2F (RNA polymerase II, I and III subunit F; plus strand), SOX10 (SRY-box transcription factor 10; minus strand). Cytogenetic location: 22q13.1.
Variant type: Deletion.
Coding change: c.1195del on transcript NM_006941.4 (MANE Select); coding-DNA position 1195, one base deleted (C; older notation c.1195delC).
Protein change: p.Gln399fs; shifts the reading frame from glutamine 399.
Molecular consequence: frameshift variant. On other transcripts: intron variant (3).
Genome position (GRCh38, 1-based): chr22:37,973,701, G deleted on the plus strand (C on the coding strand, the reverse complement: SOX10 is on the minus strand); the first of 5 consecutive G bases (chr22:37,973,701-37,973,705); deleting any one gives the same sequence. VCF-style (leftmost placement, unchanged base first): chr22-37973700-TG-T. GRCh37 (hg19) VCF-style: chr22-38369707-TG-T.
Other names: c.*38+1395del (NM_001363825.1); c.293+6535del (NM_001301130.2, NM_001301131.2); short protein forms Q399fs.
Identifiers: ClinVar variation 3601804 (VCV003601804.1).

ClinVar aggregate classification (germline): Likely pathogenic (1 of 4 stars; one submission).

Conditions:
Waardenburg syndrome type 4C (WS4C). Also called: WAARDENBURG SYNDROME WITH HIRSCHSPRUNG DISEASE, TYPE 4C. Identifiers: Orphanet 897, MedGen C2750452, MONDO:0013202, OMIM 613266.

Submission:

Institute of Rare Diseases, West China Hospital, Sichuan University
Classification: Likely pathogenic for Waardenburg syndrome type 4C. Last evaluated: 2025-01-09. Review status: criteria provided, single submitter. Criteria: ClinGen HL ACMG Specifications v1. Collection method: research. Allele origin: germline. Affected: yes.
Comment: PVS1;PM2_Supporting